The following is an entry in ClinVar:

NM_152419.3(HGSNAT):c.1437dup (p.Ile480fs)

Gene: HGSNAT (heparan-alpha-glucosaminide N-acetyltransferase; plus strand). Cytogenetic location: 8p11.21.
Variant type: Duplication.
Coding change: c.1437dup on transcript NM_152419.3 (MANE Select); coding-DNA position 1437, one base duplicated (C; older notation c.1437dupC).
Protein change: p.Ile480fs; shifts the reading frame from isoleucine 480.
Molecular consequence: frameshift variant.
Genome position (GRCh38, 1-based): chr8:43,193,816, C duplicated; the last of 2 consecutive C bases (chr8:43,193,815-43,193,816); duplicating either gives the same sequence. VCF-style (leftmost placement, unchanged base first): chr8-43193814-T-TC. GRCh37 (hg19) VCF-style: chr8-43048957-T-TC.
Other names: c.1437dup, p.Ile480fs (NM_001363227.2); c.1245dup, p.Ile416fs (NM_001363228.2); c.573dup, p.Ile192fs (NM_001363229.2); short protein forms I416fs, I192fs, I480fs.
Identifiers: ClinVar variation 840032 (VCV000840032.7), dbSNP rs759057396, ClinGen allele CA4736876.

ClinVar aggregate classification (germline): Pathogenic. Review status: criteria provided, multiple submitters, no conflicts (2 of 4 stars). 2 submissions from 2 submitters: Pathogenic (2). Last evaluated 2022-10-10.

Conditions:
Retinitis pigmentosa 73 (RP73). Identifiers: Orphanet 791, MedGen C4225287, MONDO:0014687, OMIM 616544.
Mucopolysaccharidosis, MPS-III-C (MPS3C). Also called: SANFILIPPO SYNDROME C; mucopolysaccharidosis type 3C; Mucopolysaccharidosis type IIIC (Sanfilippo C); MPS IIIC (Sanfilippo Syndrome Type C); MUCOPOLYSACCHARIDOSIS, TYPE IIIC; MPS III C. Identifiers: Orphanet 581, Orphanet 79271, MedGen C0086649, MONDO:0009657, OMIM 252930.

Submissions (2):

Labcorp Genetics (formerly Invitae), Labcorp
Classification: Pathogenic for Retinitis pigmentosa 73; Mucopolysaccharidosis, MPS-III-C. Last evaluated: 2022-10-10. Review status: criteria provided, single submitter. Criteria: Invitae Variant Classification Sherloc (09022015). Collection method: clinical testing. Allele origin: germline.
Comment: For these reasons, this variant has been classified as Pathogenic. ClinVar contains an entry for this variant (Variation ID: 840032). This variant has not been reported in the literature in individuals affected with HGSNAT-related conditions. This variant is present in population databases (rs759057396, gnomAD 0.002%). This sequence change creates a premature translational stop signal (p.Ile480Hisfs*47) in the HGSNAT gene. It is expected to result in an absent or disrupted protein product. Loss-of-function variants in HGSNAT are known to be pathogenic (PMID: 17033958, 19479962).

Fulgent Genetics
Classification: Pathogenic for Mucopolysaccharidosis, MPS-III-C; Retinitis pigmentosa 73. Last evaluated: 2022-04-27. Review status: criteria provided, single submitter. Criteria: ACMG Guidelines, 2015. Collection method: clinical testing. Allele origin: unknown.

Literature cited by the submitters: PubMed 17033958 (cited by Labcorp Genetics (formerly Invitae), Labcorp); PubMed 19479962 (cited by Labcorp Genetics (formerly Invitae), Labcorp).